The following is an entry in ClinVar:

ClinVar aggregate classification (germline): Uncertain significance (1 of 4 stars; one submission).

Conditions:
Naxos disease (NXD). Also called: CARDIOMYOPATHY, ARRHYTHMOGENIC RIGHT VENTRICULAR, WITH SKIN, HAIR, AND NAIL ABNORMALITIES; PALMOPLANTAR KERATODERMA WITH ARRHYTHMOGENIC RIGHT VENTRICULAR CARDIOMYOPATHY AND WOOLLY HAIR; WOOLLY HAIR, PALMOPLANTAR KERATODERMA, AND CARDIAC ABNORMALITIES; KERATOSIS PALMOPLANTARIS WITH ARRHYTHMOGENIC CARDIOMYOPATHY; MAL DE NAXOS. Identifiers: Orphanet 34217, MedGen C1832600, MONDO:0011017, OMIM 601214.
Arrhythmogenic right ventricular dysplasia 12. Also called: ARRHYTHMOGENIC RIGHT VENTRICULAR DYSPLASIA, FAMILIAL, 12. Identifiers: MedGen C1969081, MONDO:0012684, OMIM 611528.

Submission:

Labcorp Genetics (formerly Invitae), Labcorp
Classification: Uncertain significance for Arrhythmogenic right ventricular dysplasia 12; Naxos disease. Last evaluated: 2021-09-09. Review status: criteria provided, single submitter. Criteria: Invitae Variant Classification Sherloc (09022015). Collection method: clinical testing. Allele origin: germline.
Comment: This sequence change replaces leucine with proline at codon 338 of the JUP protein (p.Leu338Pro). The leucine residue is highly conserved and there is a moderate physicochemical difference between leucine and proline. This variant is not present in population databases (ExAC no frequency). This variant has not been reported in the literature in individuals affected with JUP-related conditions. Algorithms developed to predict the effect of missense changes on protein structure and function are either unavailable or do not agree on the potential impact of this missense change (SIFT: "Deleterious"; PolyPhen-2: "Probably Damaging"; Align-GVGD: "Class C0"). In summary, the available evidence is currently insufficient to determine the role of this variant in disease. Therefore, it has been classified as a Variant of Uncertain Significance.

NM_002230.4(JUP):c.1013T>C (p.Leu338Pro)

Gene: JUP (junction plakoglobin; minus strand). Cytogenetic location: 17q21.2.
Variant type: single nucleotide variant.
Coding change: c.1013T>C on transcript NM_002230.4 (MANE Select); coding-DNA position 1013, T replaced by C.
Protein change: p.Leu338Pro; replaces leucine 338 with proline.
Molecular consequence: missense variant.
Genome position (GRCh38, 1-based): chr17:41,764,964, A>G on the plus strand (T>C on the coding strand, the complement: JUP is on the minus strand). VCF-style: chr17-41764964-A-G. GRCh37 (hg19) VCF-style: chr17-39921216-A-G.
Other names: c.1013T>C, p.Leu338Pro (NM_001352773.2, NM_001352774.2, NM_001352775.2 and 3 more transcripts); short protein forms L338P.
Identifiers: ClinVar variation 1444630 (VCV001444630.6), dbSNP rs2143598327, ClinGen allele CA399499352.